The following is an entry in ClinVar:

ClinVar aggregate classification (germline): Uncertain significance (1 of 4 stars; one submission).

Allele frequency attached by ClinVar (database versions not stated): ExAC 0.00007; ESP Exome Variant Server 0.00008; gnomAD 0.00010; TOPMed 0.00012; gnomAD exomes 0.00025.
gnomAD v4.1: 368 of 1,613,956 alleles (0.023%); highest among the groups gnomAD compares: Non-Finnish European, 0.031%; 1 homozygote.

Submission:

Labcorp Genetics (formerly Invitae), Labcorp
Classification: Uncertain significance. Last evaluated: 2025-12-16. Review status: criteria provided, single submitter. Criteria: Invitae Variant Classification Sherloc (09022015). Collection method: clinical testing. Allele origin: germline.
Comment: This sequence change replaces proline, which is neutral and non-polar, with arginine, which is basic and polar, at codon 861 of the SIN3A protein (p.Pro861Arg). This variant is present in population databases (rs142699114, gnomAD 0.02%). This variant has not been reported in the literature in individuals affected with SIN3A-related conditions. ClinVar contains an entry for this variant (Variation ID: 2068795). Invitae Evidence Modeling of protein sequence and biophysical properties (such as structural, functional, and spatial information, amino acid conservation, physicochemical variation, residue mobility, and thermodynamic stability) indicates that this missense variant is not expected to disrupt SIN3A protein function with a negative predictive value of 80%. In summary, the available evidence is currently insufficient to determine the role of this variant in disease. Therefore, it has been classified as a Variant of Uncertain Significance.

NM_001145358.2(SIN3A):c.2582C>G (p.Pro861Arg)

Gene: SIN3A (SIN3 transcription regulator family member A; minus strand). Cytogenetic location: 15q24.2.
Variant type: single nucleotide variant.
Coding change: c.2582C>G on transcript NM_001145358.2 (MANE Select); coding-DNA position 2582, C replaced by G.
Protein change: p.Pro861Arg; replaces proline 861 with arginine.
Molecular consequence: missense variant.
Genome position (GRCh38, 1-based): chr15:75,392,511, G>C on the plus strand (C>G on the coding strand, the complement: SIN3A is on the minus strand). VCF-style: chr15-75392511-G-C. GRCh37 (hg19) VCF-style: chr15-75684852-G-C.
Other names: c.2582C>G, p.Pro861Arg (NM_001145357.2, NM_015477.3); short protein forms P861R.
Identifiers: ClinVar variation 2068795 (VCV002068795.3), dbSNP rs142699114, ClinGen allele CA7667438.
Genomic context (GRCh38, chr15:75,392,511, plus strand): 5'-TCATCCATTCCTCTTAATTTTTGAGCTGCTGTGTTACTAAACAGTAACTTGGACTTAGGG[G>C]GACTGCCCCCAACACCATTGTGCTTCTTAACTGCCCCTGTGGCTTCATCTACATCCATCT-3'
Protein context (NP_001138830.1, residues 851-871): VKKHNGVGGS[Pro861Arg]PKSKLLFSNT